The following is an entry in ClinVar:

NM_000245.4(MET):c.1862+1G>A

Gene: MET (MET proto-oncogene, receptor tyrosine kinase; plus strand). Cytogenetic location: 7q31.2.
Variant type: single nucleotide variant.
Coding change: c.1862+1G>A on transcript NM_000245.4 (MANE Select); the canonical splice donor site of the intron after coding-DNA position 1862, G replaced by A.
Molecular consequence: splice donor variant.
Genome position (GRCh38, 1-based): chr7:116,755,516, G>A. VCF-style: chr7-116755516-G-A. GRCh37 (hg19) VCF-style: chr7-116395570-G-A.
Other names: c.1862+1G>A (NM_001127500.3, NM_001324401.3); c.572+1G>A (NM_001324402.2).
Identifiers: ClinVar variation 999263 (VCV000999263.12), dbSNP rs1013431413, ClinGen allele CA164891777.

ClinVar aggregate classification (germline): Uncertain significance. Review status: criteria provided, multiple submitters, no conflicts (2 of 4 stars). 3 submissions from 3 submitters: Uncertain significance (3). Last evaluated 2025-08-25.

Conditions:
Renal cell carcinoma. Identifiers: Orphanet 217071, MedGen C0007134, MeSH D002292, MONDO:0005086, HP:0005584.
Hereditary cancer-predisposing syndrome. Also called: Tumor predisposition; Neoplastic Syndromes, Hereditary; Hereditary neoplastic syndrome; Hereditary Cancer Syndrome. Identifiers: Orphanet 140162, MedGen C0027672, MeSH D009386, MONDO:0015356.

Allele frequency attached by ClinVar (database versions not stated): gnomAD exomes below 0.00001.
gnomAD v4.1: 3 of 1,614,044 alleles (0.00019%); highest among the groups gnomAD compares: Non-Finnish European, 0.00025%; no homozygotes.

Submissions (3):

Dasa
Classification: Uncertain significance. Last evaluated: 2025-08-25. Review status: criteria provided, single submitter. Criteria: DASA Assertion Criteria. Collection method: clinical testing. Allele origin: germline.
Comment: NM_000245.4(MET):c.1862+1G>A affects a canonical splice site and is predicted to disrupt normal RNA splicing. This variant is rare in population databases. The currently available literature and clinical evidence are not sufficient to establish a definitive association between this variant and the reported condition. Therefore, this variant is classified as a variant of uncertain significance.

Labcorp Genetics (formerly Invitae), Labcorp
Classification: Uncertain significance for Renal cell carcinoma. Last evaluated: 2025-07-16. Review status: criteria provided, single submitter. Criteria: Invitae Variant Classification Sherloc (09022015). Collection method: clinical testing. Allele origin: germline.
Comment: This sequence change affects a donor splice site in intron 6 of the MET gene. It is expected to disrupt RNA splicing. Variants that disrupt the donor or acceptor splice site typically lead to a loss of protein function (PMID: 16199547), however the current clinical and genetic evidence is not sufficient to establish whether loss-of-function variants in MET cause disease. This variant is not present in population databases (gnomAD no frequency). This variant has not been reported in the literature in individuals affected with MET-related conditions. ClinVar contains an entry for this variant (Variation ID: 999263). Algorithms developed to predict the effect of sequence changes on RNA splicing suggest that this variant may disrupt the consensus splice site. In summary, the available evidence is currently insufficient to determine the role of this variant in disease. Therefore, it has been classified as a Variant of Uncertain Significance.

Ambry Genetics
Classification: Uncertain significance for Hereditary cancer-predisposing syndrome. Last evaluated: 2024-07-11. Review status: criteria provided, single submitter. Criteria: Ambry Variant Classification Scheme 2023. Collection method: clinical testing. Allele origin: germline.
Comment: The c.1862+1G>A intronic variant results from a G to A substitution one nucleotide after coding exon 5 of the MET gene. This nucleotide position is highly conserved in available vertebrate species. In silico splice site analysis predicts that this alteration will weaken the native splice donor site and may result in the creation or strengthening of a novel splice donor site. Alterations that disrupt the canonical splice site are expected to cause aberrant splicing, resulting in an abnormal protein or a transcript that is subject to nonsense-mediated mRNA decay. However, loss of function of MET has not been established as a mechanism of disease. Based on the available evidence, the clinical significance of this alteration remains unclear.

Literature cited by the submitters: PubMed 16199547 (cited by Labcorp Genetics (formerly Invitae), Labcorp).